The following is an entry in ClinVar:

ClinVar aggregate classification (germline): Uncertain significance. Review status: criteria provided, multiple submitters, no conflicts (2 of 4 stars). 2 submissions from 2 submitters: Uncertain significance (2). Last evaluated 2025-11-08.

Allele frequency attached by ClinVar (database versions not stated): gnomAD 0.00004.
gnomAD v4.1: 25 of 1,611,704 alleles (0.0016%); highest among the groups gnomAD compares: East Asian, 0.042%; no homozygotes.

Submissions (2):

Labcorp Genetics (formerly Invitae), Labcorp
Classification: Uncertain significance. Last evaluated: 2025-11-08. Review status: criteria provided, single submitter. Criteria: Invitae Variant Classification Sherloc (09022015). Collection method: clinical testing. Allele origin: germline.
Comment: This sequence change replaces serine, which is neutral and polar, with asparagine, which is neutral and polar, at codon 164 of the TNFRSF6B protein (p.Ser164Asn). This variant is present in population databases (rs369763471, gnomAD 0.06%), and has an allele count higher than expected for a pathogenic variant. This variant has not been reported in the literature in individuals affected with TNFRSF6B-related conditions. ClinVar contains an entry for this variant (Variation ID: 1430787). An algorithm developed to predict the effect of missense changes on protein structure and function (PolyPhen-2) suggests that this variant is likely to be tolerated. In summary, the available evidence is currently insufficient to determine the role of this variant in disease. Therefore, it has been classified as a Variant of Uncertain Significance.

Ambry Genetics
Classification: Uncertain significance. Last evaluated: 2024-01-29. Review status: criteria provided, single submitter. Criteria: Ambry Variant Classification Scheme 2023. Collection method: clinical testing. Allele origin: germline.

NM_003823.4(TNFRSF6B):c.491G>A (p.Ser164Asn)

Genes: RTEL1-TNFRSF6B (RTEL1-TNFRSF6B readthrough (NMD candidate); plus strand), TNFRSF6B (TNF receptor superfamily member 6b; plus strand). Cytogenetic location: 20q13.33.
Variant type: single nucleotide variant.
Coding change: c.491G>A on transcript NM_003823.4 (MANE Select); coding-DNA position 491, G replaced by A.
Protein change: p.Ser164Asn; replaces serine 164 with asparagine.
Molecular consequence: missense variant. On other transcripts: non-coding transcript variant (1).
Genome position (GRCh38, 1-based): chr20:63,697,394, G>A. VCF-style: chr20-63697394-G-A. GRCh37 (hg19) VCF-style: chr20-62328747-G-A.
Other names: c.491G>A (NM_003823.3); short protein forms S164N.
Identifiers: ClinVar variation 1430787 (VCV001430787.9), dbSNP rs369763471, ClinGen allele CA9966480.